The following is an entry in ClinVar:

NM_022455.5(NSD1):c.6920A>C (p.Gln2307Pro)

Gene: NSD1 (nuclear receptor binding SET domain protein 1; plus strand). Cytogenetic location: 5q35.3.
Variant type: single nucleotide variant.
Coding change: c.6920A>C on transcript NM_022455.5 (MANE Select); coding-DNA position 6920, A replaced by C.
Protein change: p.Gln2307Pro; replaces glutamine 2307 with proline.
Molecular consequence: missense variant.
Genome position (GRCh38, 1-based): chr5:177,294,288, A>C. VCF-style: chr5-177294288-A-C. GRCh37 (hg19) VCF-style: chr5-176721289-A-C.
Other names: c.6047A>C, p.Gln2016Pro (NM_001365684.2, NM_001409308.1, NM_172349.5); c.6920A>C, p.Gln2307Pro (NM_001409301.1, NM_001409302.1, NM_001409303.1); c.6500A>C, p.Gln2167Pro (NM_001409304.1); c.6167A>C, p.Gln2056Pro (NM_001409305.1); c.6158A>C, p.Gln2053Pro (NM_001409306.1, NM_001409307.1); c.5798A>C, p.Gln1933Pro (NM_001409309.1); short protein forms Q2038P, Q2307P, Q2167P, Q1933P, Q2053P, Q2016P, Q2056P.
Identifiers: ClinVar variation 1503120 (VCV001503120.8), dbSNP rs2127280443, ClinGen allele CA362327032.

ClinVar aggregate classification (germline): Uncertain significance (1 of 4 stars; one submission).

Submission:

Labcorp Genetics (formerly Invitae), Labcorp
Classification: Uncertain significance. Last evaluated: 2021-01-17. Review status: criteria provided, single submitter. Criteria: Invitae Variant Classification Sherloc (09022015). Collection method: clinical testing. Allele origin: germline.
Comment: This variant has not been reported in the literature in individuals with NSD1-related conditions. This sequence change replaces glutamine with proline at codon 2307 of the NSD1 protein (p.Gln2307Pro). The glutamine residue is weakly conserved and there is a moderate physicochemical difference between glutamine and proline. This variant is not present in population databases (ExAC no frequency). Advanced modeling of protein sequence and biophysical properties (such as structural, functional, and spatial information, amino acid conservation, physicochemical variation, residue mobility, and thermodynamic stability) performed at Invitae indicates that this missense variant is not expected to disrupt NSD1 protein function. In summary, the available evidence is currently insufficient to determine the role of this variant in disease. Therefore, it has been classified as a Variant of Uncertain Significance.